The following is an entry in ClinVar:

ClinVar aggregate classification (germline): Uncertain significance (1 of 4 stars; one submission).

Conditions:
Juvenile polyposis syndrome (JPS). Identifiers: Orphanet 2929, MedGen C0345893, MONDO:0017380, OMIM 174900.

Allele frequency attached by ClinVar (database versions not stated): gnomAD exomes below 0.00001.
gnomAD v4.1: 1 of 1,613,464 alleles (0.000062%); highest among the groups gnomAD compares: Non-Finnish European, 0.000085%; no homozygotes.

Submission:

Labcorp Genetics (formerly Invitae), Labcorp
Classification: Uncertain significance for Juvenile polyposis syndrome. Last evaluated: 2023-01-01. Review status: criteria provided, single submitter. Criteria: Invitae Variant Classification Sherloc (09022015). Collection method: clinical testing. Allele origin: germline.
Comment: Algorithms developed to predict the effect of missense changes on protein structure and function (SIFT, PolyPhen-2, Align-GVGD) all suggest that this variant is likely to be disruptive. In summary, the available evidence is currently insufficient to determine the role of this variant in disease. Therefore, it has been classified as a Variant of Uncertain Significance. This variant has not been reported in the literature in individuals affected with BMPR1A-related conditions. This variant is not present in population databases (gnomAD no frequency). This sequence change replaces aspartic acid, which is acidic and polar, with histidine, which is basic and polar, at codon 380 of the BMPR1A protein (p.Asp380His).

NM_004329.3(BMPR1A):c.1138G>C (p.Asp380His)

Gene: BMPR1A (bone morphogenetic protein receptor type 1A; plus strand). Cytogenetic location: 10q23.2.
Variant type: single nucleotide variant.
Coding change: c.1138G>C on transcript NM_004329.3 (MANE Select); coding-DNA position 1138, G replaced by C.
Protein change: p.Asp380His; replaces aspartic acid 380 with histidine.
Molecular consequence: missense variant. On other transcripts: non-coding transcript variant (3).
Genome position (GRCh38, 1-based): chr10:86,919,441, G>C. VCF-style: chr10-86919441-G-C. GRCh37 (hg19) VCF-style: chr10-88679198-G-C.
Other names: c.1138G>C, p.Asp380His (NM_001406577.1, NM_001406578.1, NM_001406579.1 and 19 more transcripts); c.1132G>C, p.Asp378His (NM_001406583.1); c.1054G>C, p.Asp352His (NM_001406584.1, NM_001406585.1, NM_001406586.1 and 2 more transcripts); c.1213G>C, p.Asp405His (NM_001406559.1); c.1186G>C, p.Asp396His (NM_001406560.1); c.796G>C, p.Asp266His (NM_001406589.1); short protein forms D266H, D378H, D352H, D380H, D396H, D405H.
Identifiers: ClinVar variation 3018783 (VCV003018783.3), dbSNP rs2539623459, ClinGen allele CA377461027.